The following is an entry in ClinVar:

ClinVar aggregate classification (germline): Uncertain significance (1 of 4 stars; one submission).

Allele frequency attached by ClinVar (database versions not stated): gnomAD exomes below 0.00001; TOPMed below 0.00001; ExAC 0.00001; gnomAD 0.00001.
gnomAD v4.1: 6 of 1,613,854 alleles (0.00037%); highest among the groups gnomAD compares: African/African-American, 0.0027%; no homozygotes.

Submission:

Labcorp Genetics (formerly Invitae), Labcorp
Classification: Uncertain significance. Last evaluated: 2025-12-08. Review status: criteria provided, single submitter. Criteria: Invitae Variant Classification Sherloc (09022015). Collection method: clinical testing. Allele origin: germline.
Comment: This sequence change replaces alanine, which is neutral and non-polar, with threonine, which is neutral and polar, at codon 1769 of the PLXNA2 protein (p.Ala1769Thr). This variant is present in population databases (rs747471594, gnomAD 0.004%). This variant has not been reported in the literature in individuals affected with PLXNA2-related conditions. ClinVar contains an entry for this variant (Variation ID: 2903464). Invitae Evidence Modeling of protein sequence and biophysical properties (such as structural, functional, and spatial information, amino acid conservation, physicochemical variation, residue mobility, and thermodynamic stability) indicates that this missense variant is expected to disrupt PLXNA2 protein function with a positive predictive value of 80%. In summary, the available evidence is currently insufficient to determine the role of this variant in disease. Therefore, it has been classified as a Variant of Uncertain Significance.

NM_025179.4(PLXNA2):c.5305G>A (p.Ala1769Thr)

Gene: PLXNA2 (plexin A2; minus strand). Cytogenetic location: 1q32.2.
Variant type: single nucleotide variant.
Coding change: c.5305G>A on transcript NM_025179.4 (MANE Select); coding-DNA position 5305, G replaced by A.
Protein change: p.Ala1769Thr; replaces alanine 1769 with threonine.
Molecular consequence: missense variant.
Genome position (GRCh38, 1-based): chr1:208,028,963, C>T on the plus strand (G>A on the coding strand, the complement: PLXNA2 is on the minus strand). VCF-style: chr1-208028963-C-T. GRCh37 (hg19) VCF-style: chr1-208202308-C-T.
Other names: short protein forms A1769T.
Identifiers: ClinVar variation 2903464 (VCV002903464.3), dbSNP rs747471594, ClinGen allele CA1372587.